The following is an entry in ClinVar:

ClinVar aggregate classification (germline): Pathogenic (1 of 4 stars; one submission).

Conditions:
Intellectual disability, X-linked 102 (MRXSSB). Also called: Intellectual developmental disorder, X-linked syndromic, Snijders Blok type. Identifiers: Orphanet 457260, MedGen C5393299, MONDO:0010497, OMIM 300958.

Submission:

Victorian Clinical Genetics Services, Murdoch Childrens Research Institute
Classification: Pathogenic for Intellectual disability, X-linked 102. Last evaluated: 2022-02-02. Review status: criteria provided, single submitter. Criteria: ACMG Guidelines, 2015. Collection method: clinical testing. Allele origin: germline. Inheritance: X-linked dominant inheritance.
Comment: Based on the classification scheme VCGS_Germline_v1.3.4, this variant is classified as Pathogenic. Following criteria are met: 0102 - Loss of function is a known mechanism of disease in this gene and is associated with Snijders Blok-type syndrome, intellectual developmental disorder (MIM#300958). (I) 0108 - This gene is associated with both recessive and dominant disease. Females may or may not by symptomatic (OMIM). (I) 0201 - Variant is predicted to cause nonsense-mediated decay (NMD) and loss of protein (premature termination codon is located at least 54 nucleotides upstream of the final exon-exon junction). (SP) 0251 - This variant is heterozygous. (I) 0301 - Variant is absent from gnomAD (both v2 and v3). (SP) 0701 - Other NMD-predicted variants comparable to the one identified in this case have very strong previous evidence for pathogenicity. These variants have been reported as pathogenic, and observed in individuals with DDX3X-related syndrome (ClinVar, Decipher, PMID: 31274575). (SP) 0807 - This variant has no previous evidence of pathogenicity. (I) 0905 - No published segregation evidence has been identified for this variant. (I) 1007 - No published functional evidence has been identified for this variant. (I) 1207 - Parental origin of the variant is unresolved. (I) Legend: (SP) - Supporting pathogenic, (I) - Information, (SB) - Supporting benign

Literature cited by the submitters: PubMed 31274575.

NM_001356.5(DDX3X):c.1499dup (p.Ala501fs)

Gene: DDX3X (DEAD-box helicase 3 X-linked; plus strand). Cytogenetic location: Xp11.4.
Variant type: Duplication.
Coding change: c.1499dup on transcript NM_001356.5 (MANE Select); coding-DNA position 1499, one base duplicated (T; older notation c.1499dupT).
Protein change: p.Ala501fs; shifts the reading frame from alanine 501.
Molecular consequence: frameshift variant. On other transcripts: non-coding transcript variant (1).
Genome position (GRCh38, 1-based): chrX:41,346,506, T duplicated. VCF-style (leftmost placement, unchanged base first): chrX-41346505-G-GT. GRCh37 (hg19) VCF-style: chrX-41205758-G-GT.
Other names: c.1499dup, p.Ala501fs (NM_001193416.3); c.1451dup, p.Ala485fs (NM_001193417.3); c.941dup, p.Ala315fs (NM_001363819.1); short protein forms A315fs, A485fs, A501fs.
Identifiers: ClinVar variation 3377457 (VCV003377457.1).